The following is an entry in ClinVar:

ClinVar aggregate classification (germline): Uncertain significance (1 of 4 stars; one submission).

Conditions:
Catecholaminergic polymorphic ventricular tachycardia 1. Also called: VENTRICULAR TACHYCARDIA, CATECHOLAMINERGIC POLYMORPHIC, 1, WITH OR WITHOUT ATRIAL DYSFUNCTION AND/OR DILATED CARDIOMYOPATHY; RYR2-Related Catecholaminergic Polymorphic Ventricular Tachycardia; VENTRICULAR TACHYCARDIA, STRESS-INDUCED POLYMORPHIC 1. Identifiers: Orphanet 3286, MedGen C1631597, MONDO:0011484, OMIM 604772.

Submission:

Labcorp Genetics (formerly Invitae), Labcorp
Classification: Uncertain significance for Catecholaminergic polymorphic ventricular tachycardia 1. Last evaluated: 2021-08-23. Review status: criteria provided, single submitter. Criteria: Invitae Variant Classification Sherloc (09022015). Collection method: clinical testing. Allele origin: germline.
Comment: This sequence change creates a premature translational stop signal (p.Lys1475Serfs*3) in the RYR2 gene. It is expected to result in an absent or disrupted protein product. However, the current clinical and genetic evidence is not sufficient to establish whether loss-of-function variants in RYR2 cause disease. This variant is not present in population databases (ExAC no frequency). This variant has not been reported in the literature in individuals with RYR2-related conditions. In summary, the available evidence is currently insufficient to determine the role of this variant in disease. Therefore, it has been classified as a Variant of Uncertain Significance.

NM_001035.3(RYR2):c.4424_4425del (p.Lys1475fs)

Gene: RYR2 (ryanodine receptor 2; plus strand). Cytogenetic location: 1q43.
Variant type: Deletion.
Coding change: c.4424_4425del on transcript NM_001035.3 (MANE Select); coding-DNA positions 4424 to 4425, 2 bases deleted (AA; older notation c.4424_4425delAA).
Protein change: p.Lys1475fs; shifts the reading frame from lysine 1475.
Molecular consequence: frameshift variant.
Genome position (GRCh38, 1-based): chr1:237,593,624-237,593,625, AA deleted; deleting any 2 consecutive bases within chr1:237,593,622-237,593,625 gives the same sequence; the c. name uses the placement nearest the transcript's 3' end. VCF-style (leftmost placement, unchanged base first): chr1-237593621-GAA-G. GRCh37 (hg19) VCF-style: chr1-237756921-GAA-G.
Other names: short protein forms K1475fs.
Identifiers: ClinVar variation 1500339 (VCV001500339.7), dbSNP rs2148458967, ClinGen allele CA2573132845.